The following is an entry in ClinVar:

NM_145239.3(PRRT2):c.997G>T (p.Val333Phe)

Genes: MVP-DT (MVP divergent transcript; minus strand), PRRT2 (proline rich transmembrane protein 2; plus strand). Cytogenetic location: 16p11.2.
Variant type: single nucleotide variant.
Coding change: c.997G>T on transcript NM_145239.3 (MANE Select); coding-DNA position 997, G replaced by T.
Protein change: p.Val333Phe; replaces valine 333 with phenylalanine.
Molecular consequence: missense variant. On other transcripts: 3 prime UTR variant (1).
Genome position (GRCh38, 1-based): chr16:29,814,450, G>T. VCF-style: chr16-29814450-G-T. GRCh37 (hg19) VCF-style: chr16-29825771-G-T.
Other names: c.997G>T, p.Val333Phe (NM_001256442.2); c.*496G>T (NM_001256443.2); short protein forms V333F.
Identifiers: ClinVar variation 1427456 (VCV001427456.9), dbSNP rs749851660, ClinGen allele CA395480823.
Genomic context (GRCh38, chr16:29,814,450, plus strand): 5'-GCCAAGCTCTTAAGCATCGTGGCGCTGGTGGGGGGAGTCCTCATCATCATCGCCTCCTGC[G>T]TCATCAACTTAGGCGGTGAGTGGGGGCTTGGGACAGGCAGGGGAGGAATGGAAGGGTTGG-3'
Protein context (NP_660282.2, residues 323-340): GGVLIIIASC[Val333Phe]INLGVYK

ClinVar aggregate classification (germline): Uncertain significance (1 of 4 stars; one submission).

Conditions:
Episodic kinesigenic dyskinesia (EKD). Also called: Paroxysmal kinesigenic dyskinesia. Identifiers: Orphanet 98809, MedGen C1868682, MONDO:0044202.

Submission:

Labcorp Genetics (formerly Invitae), Labcorp
Classification: Uncertain significance for Episodic kinesigenic dyskinesia. Last evaluated: 2021-05-30. Review status: criteria provided, single submitter. Criteria: Invitae Variant Classification Sherloc (09022015). Collection method: clinical testing. Allele origin: germline.
Comment: In summary, the available evidence is currently insufficient to determine the role of this variant in disease. Therefore, it has been classified as a Variant of Uncertain Significance. Algorithms developed to predict the effect of missense changes on protein structure and function are either unavailable or do not agree on the potential impact of this missense change (SIFT: "Deleterious"; PolyPhen-2: "Probably Damaging"; Align-GVGD: "Class C0"). This variant has not been reported in the literature in individuals with PRRT2-related conditions. This variant is not present in population databases (ExAC no frequency). This sequence change replaces valine with phenylalanine at codon 333 of the PRRT2 protein (p.Val333Phe). The valine residue is highly conserved and there is a small physicochemical difference between valine and phenylalanine.